The following is an entry in ClinVar:

ClinVar aggregate classification (germline): Uncertain significance. Review status: criteria provided, multiple submitters, no conflicts (2 of 4 stars). 2 submissions from 2 submitters: Uncertain significance (2). Last evaluated 2024-01-15.

Conditions:
Microcephaly and chorioretinopathy 2. Also called: Microcephaly and chorioretinopathy, autosomal recessive, 2. Identifiers: Orphanet 808, MedGen C4015388, MONDO:0014516, OMIM 616171.

Allele frequency attached by ClinVar (database versions not stated): gnomAD exomes below 0.00001 and 0.00001; TOPMed below 0.00001; ExAC 0.00001.

Submissions (2):

Labcorp Genetics (formerly Invitae), Labcorp
Classification: Uncertain significance. Last evaluated: 2024-01-15. Review status: criteria provided, single submitter. Criteria: Invitae Variant Classification Sherloc (09022015). Collection method: clinical testing. Allele origin: germline.
Comment: This sequence change replaces glutamic acid, which is acidic and polar, with lysine, which is basic and polar, at codon 790 of the PLK4 protein (p.Glu790Lys). This variant is present in population databases (rs773200383, gnomAD 0.006%). This variant has not been reported in the literature in individuals affected with PLK4-related conditions. ClinVar contains an entry for this variant (Variation ID: 1041556). An algorithm developed to predict the effect of missense changes on protein structure and function (PolyPhen-2) suggests that this variant is likely to be disruptive. In summary, the available evidence is currently insufficient to determine the role of this variant in disease. Therefore, it has been classified as a Variant of Uncertain Significance.

Fulgent Genetics
Classification: Uncertain significance for Microcephaly and chorioretinopathy 2. Last evaluated: 2022-02-16. Review status: criteria provided, single submitter. Criteria: ACMG Guidelines, 2015. Collection method: clinical testing. Allele origin: unknown.

NM_014264.5(PLK4):c.2368G>A (p.Glu790Lys)

Gene: PLK4 (polo like kinase 4; plus strand). Cytogenetic location: 4q28.1.
Variant type: single nucleotide variant.
Coding change: c.2368G>A on transcript NM_014264.5 (MANE Select); coding-DNA position 2368, G replaced by A.
Protein change: p.Glu790Lys; replaces glutamic acid 790 with lysine.
Molecular consequence: missense variant.
Genome position (GRCh38, 1-based): chr4:127,893,558, G>A. VCF-style: chr4-127893558-G-A. GRCh37 (hg19) VCF-style: chr4-128814713-G-A.
Other names: c.2272G>A, p.Glu758Lys (NM_001190799.2); c.2245G>A, p.Glu749Lys (NM_001190801.2); short protein forms E749K, E758K, E790K.
Identifiers: ClinVar variation 1041556 (VCV001041556.6), dbSNP rs773200383, ClinGen allele CA3077038.